The following is an entry in ClinVar:

NM_000388.4(CASR):c.2341T>C (p.Cys781Arg)

Gene: CASR (calcium sensing receptor; plus strand). Cytogenetic location: 3q21.1.
Variant type: single nucleotide variant.
Coding change: c.2341T>C on transcript NM_000388.4 (MANE Select); coding-DNA position 2341, T replaced by C.
Protein change: p.Cys781Arg; replaces cysteine 781 with arginine.
Molecular consequence: missense variant.
Genome position (GRCh38, 1-based): chr3:122,284,295, T>C. VCF-style: chr3-122284295-T-C. GRCh37 (hg19) VCF-style: chr3-122003142-T-C.
Other names: c.2371T>C, p.Cys791Arg (NM_001178065.2); short protein forms C781R, C791R.
Identifiers: ClinVar variation 4539431 (VCV004539431.1).

ClinVar aggregate classification (germline): Uncertain significance (1 of 4 stars; one submission).

Submission:

Center for Genomic Medicine, Rigshospitalet, Copenhagen University Hospital
Classification: Uncertain significance. Last evaluated: 2025-12-29. Review status: criteria provided, single submitter. Criteria: ACMG Guidelines, 2015. Collection method: clinical testing. Allele origin: germline.
Comment: Classification criteria: PM2_supporting, PP3_moderate

Literature cited by the submitters: PubMed 22192860.